The following is an entry in ClinVar:

ClinVar aggregate classification (germline): Uncertain significance (1 of 4 stars; one submission).

gnomAD v4.1: 9 of 1,554,072 alleles (0.00058%); highest among the groups gnomAD compares: Non-Finnish European, 0.00078%; no homozygotes.

Submission:

Women's Health and Genetics/Laboratory Corporation of America, LabCorp
Classification: Uncertain significance. Last evaluated: 2020-02-13. Review status: criteria provided, single submitter. Criteria: LabCorp Variant Classification Summary - May 2015. Collection method: clinical testing. Allele origin: germline.
Comment: Variant summary: SOS2 c.213+7A>C alters a non-conserved nucleotide located close to a canonical splice site and therefore could affect mRNA splicing, leading to a significantly altered protein sequence. 4/4 computational tools predict no significant impact on normal splicing. However, these predictions have yet to be confirmed by functional studies. The variant was absent in 213140 control chromosomes. The available data on variant occurrences in the general population are insufficient to allow any conclusion about variant significance. To our knowledge, no occurrence of c.213+7A>C in individuals affected with Noonan Syndrome and Related Conditions and no experimental evidence demonstrating its impact on protein function have been reported. No clinical diagnostic laboratories have submitted clinical-significance assessments for this variant to ClinVar after 2014. Based on the evidence outlined above, the variant was classified as uncertain significance.

NM_006939.4(SOS2):c.213+7A>C

Gene: SOS2 (SOS Ras/Rho guanine nucleotide exchange factor 2; minus strand). Cytogenetic location: 14q21.3.
Variant type: single nucleotide variant.
Coding change: c.213+7A>C on transcript NM_006939.4 (MANE Select); 7 bases into the intron after coding-DNA position 213, A replaced by C.
Molecular consequence: intron variant.
Genome position (GRCh38, 1-based): chr14:50,204,277, T>G on the plus strand (A>C on the coding strand, the complement: SOS2 is on the minus strand). VCF-style: chr14-50204277-T-G. GRCh37 (hg19) VCF-style: chr14-50670995-T-G.
Identifiers: ClinVar variation 917720 (VCV000917720.1), dbSNP rs1886593848, ClinGen allele CA1139663486.